The following is an entry in ClinVar:

ClinVar aggregate classification (germline): Conflicting classifications of pathogenicity. Review status: criteria provided, conflicting classifications (1 of 4 stars). 4 submissions from 4 submitters: Uncertain significance (1); Likely benign (2). 1 of the submissions does not count toward it. Last evaluated 2026-09-01.

Conditions:
BMP4-related disorder. Also called: BMP4-related condition.
Microphthalmia with brain and digit anomalies (MCOPS6). Also called: Microphthalmia, syndromic 6; MICROPHTHALMIA AND PITUITARY ANOMALIES. Identifiers: Orphanet 139471, MedGen C1864689, MONDO:0011936, OMIM 607932.
Orofacial cleft 11 (OFC11). Also called: CLEFT LIP WITH OR WITHOUT CLEFT PALATE, NONSYNDROMIC, 11; Orofacial cleft 11; ofc11. Identifiers: MedGen C2677434, MONDO:0010906, OMIM 600625.

Allele frequency attached by ClinVar (database versions not stated): gnomAD exomes below 0.00001 and 0.00001; TOPMed 0.00002; gnomAD 0.00003.
gnomAD v4.1: 21 of 1,614,072 alleles (0.0013%); highest among the groups gnomAD compares: Non-Finnish European, 0.0017%; no homozygotes.

Submissions (4):

CeGaT Center for Human Genetics Tuebingen
Classification: Likely benign. Last evaluated: 2026-09-01. Review status: criteria provided, single submitter. Criteria: CeGaT Center For Human Genetics Tuebingen Variant Classification Criteria Version 2. Collection method: clinical testing. Allele origin: germline. Affected: yes. Observed: 1 variant allele.
Comment: BMP4: BP4, BP7

Labcorp Genetics (formerly Invitae), Labcorp
Classification: Likely benign for Microphthalmia with brain and digit anomalies; Orofacial cleft 11. Last evaluated: 2022-09-05. Review status: criteria provided, single submitter. Criteria: Invitae Variant Classification Sherloc (09022015). Collection method: clinical testing. Allele origin: germline.

Illumina Laboratory Services, Illumina
Classification: Uncertain significance for Orofacial cleft 11. Last evaluated: 2017-04-28. Review status: criteria provided, single submitter. Criteria: ICSL Variant Classification Criteria 13 December 2019. Collection method: clinical testing. Allele origin: germline.

PreventionGenetics, part of Exact Sciences
Classification: Likely benign for BMP4-related condition. Last evaluated: 2019-06-12. Review status: no assertion criteria provided. Collection method: clinical testing. Allele origin: germline. Not counted in ClinVar's aggregate classification.
Comment: This variant is classified as likely benign based on ACMG/AMP sequence variant interpretation guidelines (Richards et al. 2015 PMID: 25741868, with internal and published modifications).

NM_001202.6(BMP4):c.753T>C (p.His251=)

Gene: BMP4 (bone morphogenetic protein 4; minus strand). Cytogenetic location: 14q22.2.
Variant type: single nucleotide variant.
Coding change: c.753T>C on transcript NM_001202.6 (MANE Select); coding-DNA position 753, T replaced by C.
Protein change: p.His251=; no amino-acid change (histidine 251 retained).
Molecular consequence: synonymous variant.
Genome position (GRCh38, 1-based): chr14:53,950,506, A>G on the plus strand (T>C on the coding strand, the complement: BMP4 is on the minus strand). VCF-style: chr14-53950506-A-G. GRCh37 (hg19) VCF-style: chr14-54417224-A-G.
Other names: c.894T>C, p.His298= (NM_001347912.1); c.564T>C, p.His188= (NM_001347913.2, NM_001347915.2, NM_001347917.1); c.753T>C, p.His251= (NM_001347914.2, NM_001347916.1, NM_130850.5 and 1 more transcripts); c.753T>C (NM_001202.5).
Identifiers: ClinVar variation 882739 (VCV000882739.14), dbSNP rs1460775726, ClinGen allele CA486658628.